The following is an entry in ClinVar:

NM_007294.4(BRCA1):c.5478G>T (p.Gln1826His)

Gene: BRCA1 (BRCA1 DNA repair associated; minus strand). Cytogenetic location: 17q21.31.
Variant type: single nucleotide variant.
Coding change: c.5478G>T on transcript NM_007294.4 (MANE Select); coding-DNA position 5478, G replaced by T.
Protein change: p.Gln1826His; replaces glutamine 1826 with histidine.
Molecular consequence: missense variant. On other transcripts: non-coding transcript variant (1).
Genome position (GRCh38, 1-based): chr17:43,045,792, C>A on the plus strand (G>T on the coding strand, the complement: BRCA1 is on the minus strand). VCF-style: chr17-43045792-C-A. GRCh37 (hg19) VCF-style: chr17-41197809-C-A.
Other names: c.5475G>T, p.Gln1825His (NM_001407617.1, NM_001407618.1, NM_001407619.1 and 14 more transcripts); c.5472G>T, p.Gln1824His (NM_001407636.1, NM_001407637.1, NM_001407638.1 and 13 more transcripts); c.5469G>T, p.Gln1823His (NM_001407644.1, NM_001407645.1); c.5466G>T, p.Gln1822His (NM_001407646.1); c.5397G>T, p.Gln1799His (NM_001407658.1, NM_001407656.1, NM_001407657.1); c.5394G>T, p.Gln1798His (NM_001407659.1, NM_001407660.1, NM_001407661.1 and 2 more transcripts); c.5355G>T, p.Gln1785His (NM_001407664.1, NM_001407665.1, NM_001407666.1 and 3 more transcripts); c.5352G>T, p.Gln1784His (NM_001407677.1, NM_001407678.1, NM_001407679.1 and 8 more transcripts); and 83 more; short protein forms Q1826H, Q1847H, D698Y, Q1779H, Q722H, Q682H, Q684H, Q696H.
Identifiers: ClinVar variation 55592 (VCV000055592.15), dbSNP rs80357332, ClinGen allele CA003641.

ClinVar aggregate classification (germline): Conflicting classifications of pathogenicity. Review status: criteria provided, conflicting classifications (1 of 4 stars). 4 submissions from 4 submitters: Uncertain significance (2); Likely benign (1). 1 of the submissions does not count toward it. Last evaluated 2024-04-12.

Conditions:
Breast-ovarian cancer, familial, susceptibility to, 1 (BROVCA1). Also called: BRCA1 Hereditary Breast and Ovarian Cancer; OVARIAN CANCER, SUSCEPTIBILITY TO. Identifiers: Orphanet 145, MedGen C2676676, MONDO:0011450, OMIM 604370. Disease mechanism: loss of function.
Hereditary breast ovarian cancer syndrome. Also called: BRCA1- and BRCA2-Associated Hereditary Breast and Ovarian Cancer; Hereditary breast and ovarian cancer syndrome; Hereditary breast and ovarian cancer syndrome (HBOC); Breast and ovarian cancer; Hereditary breast and/or ovarian cancer syndrome; Hereditary breast and ovarian cancer. Identifiers: Orphanet 145, MedGen C0677776, MeSH D061325, MONDO:0003582. Disease mechanism: loss of function.

Allele frequency attached by ClinVar (database versions not stated): gnomAD exomes below 0.00001; ExAC 0.00001.
gnomAD v4.1: 1 of 1,614,184 alleles (0.000062%); highest among the groups gnomAD compares: Non-Finnish European, 0.000085%; no homozygotes.

Submissions (5):

Lupski Lab, Baylor-Hopkins CMG, Baylor College of Medicine
Classification: Likely benign for Breast-ovarian cancer, familial, susceptibility to, 1. Last evaluated: 2024-04-12. Review status: criteria provided, single submitter. Criteria: Dawood et al. (medRxiv. 2024). Collection method: curation. Allele origin: germline.
Comment: Each variant was annotated with functional scores from MAVE data which was translated into functional evidence codes. All other evidence codes and combining criteria were adhered to as closely as possible based on the ClinGen VCEP (Variant Curation Expert Panel) gene-specific recommendations. See Supplemental Figure 34 of final paper (Supp Fig. 28 in preprint: doi:10.1101/2024.04.11.24305690) for a table to see which lines of evidence we did not have data for. The ClinGen VCEPs are highly regarded as the gold-standard for gene-specific variant curation and are developed after extensive evaluation of the evidence by clinical and scientific experts for the particular gene to classify genomic variants on a spectrum from pathogenic to benign using the 2015 ACMG/AMP Variant Interpretation Guidelines as a backbone (PMID: 25741868). Reclassification of these VUS variants from gnomAD or All of Us focused only on variants originally prescribed as VUS in ClinVar. To ensure reproducibility, transparency, and increased throughput, all the procedures for annotating variants and assigning evidence codes were codified using Python. All code has been made freely available and is linked in the Code Availability section and all reclassified variants with evidence codes used can be found in Tables S18-19 (preprint: doi:10.1101/2024.04.11.24305690). For the MAVE data, the clinical curation and clinical strength assignment as per the ClinGen recommendations in Brnich et al. (2020) (PMID: 31892348) for or against pathogenicity or benignity of each of these MAVE datasets utilized in this study were previously published in Fayer et al. (2021) (PMID: 34793697).In brief, for BRCA1 variants, if a variant was categorized as FUNC (functional), it was assigned BS3 evidence and no PS3 evidence, whereas if it was categorized as LOF (loss of function), the variant was assigned PS3 evidence and no BS3 evidence. Variants categorized as INT (intermediate) were left unannotated. For the BRCA1 combining criteria, greater than or equal to 1 criteria of strong benign evidence was enough to reclassify the VUS as Likely Benign. This variant GRCh37:17:41197809:C>A was assigned evidence codes ['BS3', 'BP4'] and an overall classification of Likely Benign

Labcorp Genetics (formerly Invitae), Labcorp
Classification: Uncertain significance for Hereditary breast ovarian cancer syndrome. Last evaluated: 2021-02-28. Review status: criteria provided, single submitter. Criteria: Invitae Variant Classification Sherloc (09022015). Collection method: clinical testing. Allele origin: germline.
Comment: In summary, the available evidence is currently insufficient to determine the role of this variant in disease. Therefore, it has been classified as a Variant of Uncertain Significance. Advanced modeling of experimental studies (such as gene expression, population dynamics, functional pathways, and cell-cycle effects in cell culture) performed at Invitae indicates that this missense variant is not expected to disrupt BRCA1 protein function. This variant has been observed in individuals with breast and/or ovarian cancer (PMID: 27062684,18992264). It has also been observed to segregate with disease in related individuals. ClinVar contains an entry for this variant (Variation ID: 55592). This variant is present in population databases (rs80357332, ExAC 0.001%). This sequence change replaces glutamine with histidine at codon 1826 of the BRCA1 protein (p.Gln1826His). The glutamine residue is moderately conserved and there is a small physicochemical difference between glutamine and histidine.

GeneDx
Classification: Uncertain significance. Last evaluated: 2021-01-25. Review status: criteria provided, single submitter. Criteria: GeneDx Variant Classification Process June 2021. Collection method: clinical testing. Allele origin: germline. Affected: yes.
Comment: Observed in individuals with breast and/or ovarian cancer, and found to segregate with disease in one family (Carvalho 2009, Azzolini 2016); Published functional studies predominantly demonstrate no damaging effect: normal transactivation activity, protein folding, and cell survival in a saturation genome editing (SGE) assay, but uncertain binding activity and specificity (Caravalho 2009, Lee 2010, Findlay 2018); In silico analysis supports that this missense variant has a deleterious effect on protein structure/function; Not observed at a significant frequency in large population cohorts (Lek 2016); Also known as 5597G>T; This variant is associated with the following publications: (PMID: 30209399, 30765603, 18992264, 27062684, 28781887, 20516115)

Breast Cancer Information Core (BIC) (BRCA1)
Classification: Uncertain significance for Breast-ovarian cancer, familial 1. Last evaluated: 2004-03-30. Review status: no assertion criteria provided. Collection method: clinical testing. Allele origin: germline. Affected: yes. Observed: 1 variant allele. Not counted in ClinVar's aggregate classification.

Brotman Baty Institute, University of Washington
No classification provided (evidence only). Condition: Breast-ovarian cancer, familial 1. Review status: no classification provided. Collection method: in vitro. Allele origin: not applicable. Functional consequence: functionally_normal. Not counted in ClinVar's aggregate classification.
ClinVar note: "not provided" was previously submitted as the classification for the variant. However, the classification appeared to be based only on an observation of functional data so it was converted to no classification on 2025-07-30.

Literature cited by the submitters: PubMed 39142283 (cited by Lupski Lab, Baylor-Hopkins CMG, Baylor College of Medicine); PubMed 34793697 (cited by Lupski Lab, Baylor-Hopkins CMG, Baylor College of Medicine); DOI 10.1101/2024.04.11.24305690 (cited by Lupski Lab, Baylor-Hopkins CMG, Baylor College of Medicine); PubMed 27062684 (cited by Labcorp Genetics (formerly Invitae), Labcorp); PubMed 18992264 (cited by Labcorp Genetics (formerly Invitae), Labcorp).